The following is an entry in ClinVar:

NM_004006.3(DMD):c.2472C>G (p.Asn824Lys)

Gene: DMD (dystrophin; minus strand). Cytogenetic location: Xp21.1.
Variant type: single nucleotide variant.
Coding change: c.2472C>G on transcript NM_004006.3 (MANE Select); coding-DNA position 2472, C replaced by G.
Protein change: p.Asn824Lys; replaces asparagine 824 with lysine.
Molecular consequence: missense variant.
Genome position (GRCh38, 1-based): chrX:32,491,427, G>C on the plus strand (C>G on the coding strand, the complement: DMD is on the minus strand). VCF-style: chrX-32491427-G-C. GRCh37 (hg19) VCF-style: chrX-32509544-G-C.
Other names: c.2448C>G, p.Asn816Lys (NM_000109.4); c.2460C>G, p.Asn820Lys (NM_004009.3); c.2103C>G, p.Asn701Lys (NM_004010.3); c.2472C>G (NM_004006.2); short protein forms N701K, N816K, N820K, N824K.
Identifiers: ClinVar variation 1124266 (VCV001124266.13), dbSNP rs778811645, ClinGen allele CA10379514.

ClinVar aggregate classification (germline): Conflicting classifications of pathogenicity. Review status: criteria provided, conflicting classifications (1 of 4 stars). 4 submissions from 4 submitters: Uncertain significance (2); Likely benign (1). 1 of the submissions does not count toward it. Last evaluated 2025-06-30.

Conditions:
Cardiovascular phenotype. Identifiers: MedGen CN230736.
Dystrophin deficiency.
Becker muscular dystrophy (BMD). Also called: MUSCULAR DYSTROPHY, PSEUDOHYPERTROPHIC PROGRESSIVE, BECKER TYPE; Becker Muscular Dystrophy (BMD). Identifiers: Orphanet 98895, MedGen C0917713, MONDO:0010311, OMIM 300376.
Duchenne muscular dystrophy (DMD). Also called: Duchenne Muscular Dystrophy (DMD); MUSCULAR DYSTROPHY, PSEUDOHYPERTROPHIC PROGRESSIVE, DUCHENNE TYPE. Identifiers: Orphanet 98896, MedGen C0013264, MONDO:0010679, OMIM 310200.
Cardiomyopathy (CMYO). Also called: Cardiomyopathies. Identifiers: Orphanet 167848, MedGen C0878544, MONDO:0004994, HP:0001638. Inheritance: Various modes of inheritance.

Allele frequency attached by ClinVar (database versions not stated): gnomAD exomes below 0.00001 and 0.00001; TOPMed below 0.00001; ExAC 0.00001; gnomAD 0.00001.
gnomAD v4.1: 3 of 1,209,862 alleles (0.00025%); highest among the groups gnomAD compares: African/African-American, 0.0035%; no homozygotes.

Submissions (4):

Labcorp Genetics (formerly Invitae), Labcorp
Classification: Likely benign for Duchenne muscular dystrophy. Last evaluated: 2025-06-30. Review status: criteria provided, single submitter. Criteria: Invitae Variant Classification Sherloc (09022015). Collection method: clinical testing. Allele origin: germline.

Ambry Genetics
Classification: Uncertain significance for Cardiovascular phenotype. Last evaluated: 2023-05-17. Review status: criteria provided, single submitter. Criteria: Ambry Variant Classification Scheme 2023. Collection method: clinical testing. Allele origin: germline.
Comment: The p.N824K variant (also known as c.2472C>G), located in coding exon 20 of the DMD gene, results from a C to G substitution at nucleotide position 2472. The asparagine at codon 824 is replaced by lysine, an amino acid with similar properties. Based on data from gnomAD, the G allele has an overall frequency of 0.0015%% (3/205265) total alleles studied, with 2 hemizygote(s) observed. The highest observed frequency was 0.01% (2/19077) of African/African American alleles. This amino acid position is not well conserved in available vertebrate species. In addition, this alteration is predicted to be tolerated by in silico analysis. Since supporting evidence is limited at this time, the clinical significance of this alteration remains unclear.

Neuberg Centre For Genomic Medicine, NCGM
Classification: Uncertain significance for Duchenne muscular dystrophy. Review status: criteria provided, single submitter. Criteria: ACMG Guidelines, 2015. Collection method: clinical testing. Allele origin: germline. Inheritance: X-linked inheritance. Affected: yes.
Comment: The missense variant p.N824K in DMD (NM_004006.3) has not been reported previously as a pathogenic variant nor as a benign variant, to our knowledge. The p.N824K variant has gnomAD frequency of 0.001462 % and is novel (not in any individuals) in 1000 Genomes. There is a moderate physicochemical difference between asparagine and lysine. In silico tools predict the variant to be tolerated. The residue is conserved across species. The amino acid change p.Asn824Lys in DMD is predicted as conserved by GERP++ and PhyloP across 100 vertebrates. For these reasons, this variant has been classified as Uncertain Significance.

Natera, Inc.
Classification: Likely benign for Becker muscular dystrophy; Cardiomyopathy; Duchenne muscular dystrophy; Dystrophin deficiency. Last evaluated: 2018-06-19. Review status: no assertion criteria provided. Collection method: clinical testing. Allele origin: germline. Not counted in ClinVar's aggregate classification.